The following is an entry in ClinVar:

NM_002890.3(RASA1):c.1192C>G (p.Arg398Gly)

Genes: CCNH (cyclin H; minus strand), RASA1 (RAS p21 protein activator 1; plus strand). Cytogenetic location: 5q14.3.
Variant type: single nucleotide variant.
Coding change: c.1192C>G on transcript NM_002890.3 (MANE Select); coding-DNA position 1192, C replaced by G.
Protein change: p.Arg398Gly; replaces arginine 398 with glycine.
Molecular consequence: missense variant. On other transcripts: intron variant (1).
Genome position (GRCh38, 1-based): chr5:87,349,303, C>G. VCF-style: chr5-87349303-C-G. GRCh37 (hg19) VCF-style: chr5-86645120-C-G.
Other names: c.661C>G, p.Arg221Gly (NM_022650.3); c.934-36508G>C (NM_001364075.2); short protein forms R221G, R398G.
Identifiers: ClinVar variation 3653759 (VCV003653759.2).

ClinVar aggregate classification (germline): Uncertain significance (1 of 4 stars; one submission).

Conditions:
Capillary malformation-arteriovenous malformation syndrome. Also called: Capillary malformation-arteriovenous malformation. Identifiers: Orphanet 137667, MedGen C1842180, MONDO:0012016.

Submission:

Labcorp Genetics (formerly Invitae), Labcorp
Classification: Uncertain significance for Capillary malformation-arteriovenous malformation syndrome. Last evaluated: 2024-05-18. Review status: criteria provided, single submitter. Criteria: Invitae Variant Classification Sherloc (09022015). Collection method: clinical testing. Allele origin: germline.
Comment: This sequence change replaces arginine, which is basic and polar, with glycine, which is neutral and non-polar, at codon 398 of the RASA1 protein (p.Arg398Gly). This variant is not present in population databases (gnomAD no frequency). This variant has not been reported in the literature in individuals affected with RASA1-related conditions. An algorithm developed to predict the effect of missense changes on protein structure and function (PolyPhen-2) suggests that this variant is likely to be disruptive. In summary, the available evidence is currently insufficient to determine the role of this variant in disease. Therefore, it has been classified as a Variant of Uncertain Significance.